The following is an entry in ClinVar:

ClinVar aggregate classification (germline): Conflicting classifications of pathogenicity. Review status: criteria provided, conflicting classifications (1 of 4 stars). 8 submissions from 8 submitters: Uncertain significance (2); Benign (1); Likely benign (3). 2 of the submissions do not count toward it. Last evaluated 2025-10-13.

Conditions:
Cerebral arteriopathy, autosomal dominant, with subcortical infarcts and leukoencephalopathy, type 1 (CADASIL1). Also called: CASIL; Cerebral arteriopathy with subcortical infarcts and leukoencephalopathy 1; CADASIL 1; DEMENTIA, HEREDITARY MULTIINFARCT TYPE. Identifiers: Orphanet 136, MedGen C4551768, MONDO:0000914, OMIM 125310.
Myofibromatosis, infantile, 2. Identifiers: Orphanet 2591, MedGen C3809084, MONDO:0014122, OMIM 615293.
Lateral meningocele syndrome (LMNS). Also called: NOTCH3-Related Lateral Meningocele Syndrome. Identifiers: Orphanet 2789, MedGen C1851710, MONDO:0007537, OMIM 130720.

Allele frequency attached by ClinVar (database versions not stated): gnomAD 0.00023 and 0.00027; gnomAD exomes 0.00028 and 0.00039; 1000 Genomes Project 30x 0.00031; ESP Exome Variant Server 0.00031; TOPMed 0.00033; 1000 Genomes Project 0.00040; ExAC 0.00046.
gnomAD v4.1: 611 of 1,600,290 alleles (0.038%); highest among the groups gnomAD compares: Non-Finnish European, 0.048%; no homozygotes.

Submissions (8):

Labcorp Genetics (formerly Invitae), Labcorp
Classification: Likely benign. Last evaluated: 2025-10-13. Review status: criteria provided, single submitter. Criteria: Invitae Variant Classification Sherloc (09022015). Collection method: clinical testing. Allele origin: germline.

CeGaT Center for Human Genetics Tuebingen
Classification: Likely benign. Last evaluated: 2025-01-01. Review status: criteria provided, single submitter. Criteria: CeGaT Center For Human Genetics Tuebingen Variant Classification Criteria Version 2. Collection method: clinical testing. Allele origin: germline. Affected: yes. Observed: 4 variant alleles.
Comment: NOTCH3: BS2

Blueprint Genetics
Classification: Likely benign. Last evaluated: 2024-10-29. Review status: criteria provided, single submitter. Criteria: ACMG Guidelines, 2015. Collection method: clinical testing. Allele origin: germline.

Athena Diagnostics
Classification: Benign. Last evaluated: 2024-08-06. Review status: criteria provided, single submitter. Criteria: Athena Diagnostics Criteria. Collection method: clinical testing. Allele origin: unknown.

Fulgent Genetics
Classification: Uncertain significance for Cerebral arteriopathy, autosomal dominant, with subcortical infarcts and leukoencephalopathy, type 1; Lateral meningocele syndrome; Myofibromatosis, infantile, 2. Last evaluated: 2024-02-16. Review status: criteria provided, single submitter. Criteria: ACMG Guidelines, 2015. Collection method: clinical testing. Allele origin: germline.

Mendelics
Classification: Uncertain significance for Cerebral arteriopathy, autosomal dominant, with subcortical infarcts and leukoencephalopathy, type 1. Last evaluated: 2019-05-28. Review status: criteria provided, single submitter. Criteria: Mendelics Assertion Criteria 2017. Collection method: clinical testing. Allele origin: unknown.

Clinical Genetics DNA and cytogenetics Diagnostics Lab, Erasmus MC, Erasmus Medical Center
Classification: Likely benign. Review status: no assertion criteria provided. Collection method: clinical testing. Allele origin: germline. Affected: yes. Study: VKGL Data-share Consensus. Not counted in ClinVar's aggregate classification.

Laboratory of Diagnostic Genome Analysis, Leiden University Medical Center (LUMC)
Classification: Likely benign. Review status: no assertion criteria provided. Collection method: clinical testing. Allele origin: germline. Affected: yes. Study: VKGL Data-share Consensus. Not counted in ClinVar's aggregate classification.

Literature cited by the submitters: PubMed 17879447 (cited by Athena Diagnostics); PubMed 31799216 (cited by Athena Diagnostics).

NM_000435.3(NOTCH3):c.2932A>C (p.Ser978Arg)

Gene: NOTCH3 (notch receptor 3; minus strand). Cytogenetic location: 19p13.12.
Variant type: single nucleotide variant.
Coding change: c.2932A>C on transcript NM_000435.3 (MANE Select); coding-DNA position 2932, A replaced by C.
Protein change: p.Ser978Arg; replaces serine 978 with arginine.
Molecular consequence: missense variant.
Genome position (GRCh38, 1-based): chr19:15,181,023, T>G on the plus strand (A>C on the coding strand, the complement: NOTCH3 is on the minus strand). VCF-style: chr19-15181023-T-G. GRCh37 (hg19) VCF-style: chr19-15291834-T-G.
Other names: short protein forms S978R.
Identifiers: ClinVar variation 702452 (VCV000702452.31), dbSNP rs141956294, ClinGen allele CA9263235.